The following is an entry in ClinVar:

NM_014804.3(KIAA0753):c.2656C>T (p.Arg886Ter)

Gene: KIAA0753 (KIAA0753; minus strand). Cytogenetic location: 17p13.1.
Variant type: single nucleotide variant.
Coding change: c.2656C>T on transcript NM_014804.3 (MANE Select); coding-DNA position 2656, C replaced by T.
Protein change: p.Arg886Ter; replaces arginine 886 with a stop codon.
Molecular consequence: nonsense. On other transcripts: non-coding transcript variant (3).
Genome position (GRCh38, 1-based): chr17:6,589,909, G>A on the plus strand (C>T on the coding strand, the complement: KIAA0753 is on the minus strand). VCF-style: chr17-6589909-G-A. GRCh37 (hg19) VCF-style: chr17-6493229-G-A.
Other names: c.1759C>T, p.Arg587Ter (NM_001351225.2); short protein forms R886*, R587*.
Identifiers: ClinVar variation 620530 (VCV000620530.13), dbSNP rs370840009, ClinGen allele CA8330086.

ClinVar aggregate classification (germline): Pathogenic/Likely pathogenic. Review status: criteria provided, multiple submitters, no conflicts (2 of 4 stars). 6 submissions from 6 submitters: Pathogenic (2); Likely pathogenic (4). Last evaluated 2025-04-20.

Conditions:
Orofaciodigital syndrome XV (OFD15). Also called: OFDS XV; ORAL-FACIAL-DIGITAL SYNDROME, TYPE XV. Identifiers: MedGen C4310701, MONDO:0014932, OMIM 617127.
Short-rib thoracic dysplasia 21 without polydactyly. Identifiers: MedGen C5561961, MONDO:0030356, OMIM 619479.
KIAA0753-related disorder.

Allele frequency attached by ClinVar (database versions not stated): ExAC 0.00002; TOPMed 0.00002; gnomAD 0.00003; gnomAD exomes 0.00003; ESP Exome Variant Server 0.00008.
gnomAD v4.1: 149 of 1,613,180 alleles (0.0092%); highest among the groups gnomAD compares: Non-Finnish European, 0.012%; no homozygotes.

Submissions (6):

Labcorp Genetics (formerly Invitae), Labcorp
Classification: Pathogenic. Last evaluated: 2025-04-20. Review status: criteria provided, single submitter. Criteria: Invitae Variant Classification Sherloc (09022015). Collection method: clinical testing. Allele origin: germline.
Comment: This sequence change creates a premature translational stop signal (p.Arg886*) in the KIAA0753 gene. It is expected to result in an absent or disrupted protein product. Loss-of-function variants in KIAA0753 are known to be pathogenic (PMID: 29138412). This variant is present in population databases (rs370840009, gnomAD 0.01%). This variant has not been reported in the literature in individuals affected with KIAA0753-related conditions. ClinVar contains an entry for this variant (Variation ID: 620530). For these reasons, this variant has been classified as Pathogenic.

Blueprint Genetics
Classification: Likely pathogenic for KIAA0753-related disorders. Last evaluated: 2024-04-10. Review status: criteria provided, single submitter. Criteria: ACMG Guidelines, 2015. Collection method: clinical testing. Allele origin: germline. Affected: yes. Observed: 5 variant alleles.

GeneDx
Classification: Pathogenic. Last evaluated: 2023-11-27. Review status: criteria provided, single submitter. Criteria: GeneDx Variant Classification Process June 2021. Collection method: clinical testing. Allele origin: germline. Affected: yes.
Comment: Observed with a pathogenic variant on the opposite allele (in trans) in a patient with short-rib type skeletal dysplasia in published literature (PMID: 34523780); Published functional studies demonstrate a damaging effect by producing a truncated protein that is defective in ciliogenesis (PMID: 34523780); Nonsense variant predicted to result in protein truncation or nonsense mediated decay in a gene for which loss of function is a known mechanism of disease; This variant is associated with the following publications: (PMID: 29138412, 34523780)

Department of Pathology and Laboratory Medicine, Sinai Health System
Classification: Likely pathogenic for Short-rib thoracic dysplasia 21 without polydactyly; Orofaciodigital syndrome XV. Last evaluated: 2023-03-12. Review status: criteria provided, single submitter. Criteria: ACMG Guidelines, 2015. Collection method: research. Allele origin: germline.

Greenwood Genetic Center Diagnostic Laboratories, Greenwood Genetic Center
Classification: Likely pathogenic for KIAA0753-related disorder. Last evaluated: 2022-05-05. Review status: criteria provided, single submitter. Criteria: ACMG Guidelines, 2015. Collection method: clinical testing. Allele origin: germline. Affected: yes.
Comment: PVS1 PM2

Baylor Genetics
Classification: Likely pathogenic for Orofaciodigital syndrome XV. Last evaluated: 2020-05-27. Review status: criteria provided, single submitter. Criteria: ACMG Guidelines, 2015. Collection method: clinical testing. Allele origin: unknown. Affected: yes.
Comment: This variant was determined to be likely pathogenic according to ACMG Guidelines, 2015 [PMID:25741868].

Literature cited by the submitters: PubMed 29138412 (cited by Labcorp Genetics (formerly Invitae), Labcorp).